The following is an entry in ClinVar:

ClinVar aggregate classification (germline): Uncertain significance (1 of 4 stars; one submission).

Submission:

Labcorp Genetics (formerly Invitae), Labcorp
Classification: Uncertain significance. Last evaluated: 2025-12-03. Review status: criteria provided, single submitter. Criteria: Invitae Variant Classification Sherloc (09022015). Collection method: clinical testing. Allele origin: germline.
Comment: This sequence change replaces valine, which is neutral and non-polar, with aspartic acid, which is acidic and polar, at codon 542 of the RFWD3 protein (p.Val542Asp). This variant is not present in population databases (gnomAD no frequency). This variant has not been reported in the literature in individuals affected with RFWD3-related conditions. An algorithm developed to predict the effect of missense changes on protein structure and function (PolyPhen-2) suggests that this variant is likely to be disruptive. In summary, the available evidence is currently insufficient to determine the role of this variant in disease. Therefore, it has been classified as a Variant of Uncertain Significance.

NM_018124.4(RFWD3):c.1625T>A (p.Val542Asp)

Gene: RFWD3 (ring finger and WD repeat domain 3; minus strand). Cytogenetic location: 16q23.1.
Variant type: single nucleotide variant.
Coding change: c.1625T>A on transcript NM_018124.4 (MANE Select); coding-DNA position 1625, T replaced by A.
Protein change: p.Val542Asp; replaces valine 542 with aspartic acid.
Molecular consequence: missense variant. On other transcripts: intron variant (1).
Genome position (GRCh38, 1-based): chr16:74,630,910, A>T on the plus strand (T>A on the coding strand, the complement: RFWD3 is on the minus strand). VCF-style: chr16-74630910-A-T. GRCh37 (hg19) VCF-style: chr16-74664808-A-T.
Other names: c.1625T>A, p.Val542Asp (NM_001370534.1, NM_001370535.1); c.791T>A, p.Val264Asp (NM_001370537.1, NM_001370539.1, NM_001370540.1 and 2 more transcripts); c.1577+1613T>A (NM_001370536.1); short protein forms V542D, V264D.
Identifiers: ClinVar variation 4732152 (VCV004732152.1).